The following is an entry in ClinVar:

NM_001283009.2(RTEL1):c.3680G>T (p.Gly1227Val)

Genes: RTEL1 (regulator of telomere elongation helicase 1; plus strand), RTEL1-TNFRSF6B (RTEL1-TNFRSF6B readthrough (NMD candidate); plus strand). Cytogenetic location: 20q13.33.
Variant type: single nucleotide variant.
Coding change: c.3680G>T on transcript NM_001283009.2 (MANE Select); coding-DNA position 3680, G replaced by T.
Protein change: p.Gly1227Val; replaces glycine 1227 with valine.
Molecular consequence: missense variant. On other transcripts: non-coding transcript variant (1), intron variant (3).
Genome position (GRCh38, 1-based): chr20:63,695,508, G>T. VCF-style: chr20-63695508-G-T. GRCh37 (hg19) VCF-style: chr20-62326861-G-T.
Other names: c.2983+28G>T (NM_001283010.1); c.3724+28G>T (NM_032957.5); c.3652+28G>T (NM_016434.4); short protein forms G1227V.
Identifiers: ClinVar variation 4157587 (VCV004157587.1).

ClinVar aggregate classification (germline): Uncertain significance (1 of 4 stars; one submission).

Conditions:
Inborn genetic diseases. Identifiers: MedGen C0950123, MeSH D030342.

Submission:

Ambry Genetics
Classification: Uncertain significance for Inborn genetic diseases. Last evaluated: 2025-07-04. Review status: criteria provided, single submitter. Criteria: Ambry Variant Classification Scheme 2023. Collection method: clinical testing. Allele origin: germline.
Comment: The p.G1227V variant (also known as c.3680G>T), located in coding exon 33 of the RTEL1 gene, results from a G to T substitution at nucleotide position 3680. The glycine at codon 1227 is replaced by valine, an amino acid with dissimilar properties. This amino acid position is conserved. In addition, this alteration is predicted to be tolerated by in silico analysis. Based on the available evidence, the clinical significance of this variant remains unclear.